The following is an entry in ClinVar:

NM_004168.4(SDHA):c.1848G>A (p.Lys616=)

Gene: SDHA (succinate dehydrogenase complex flavoprotein subunit A; plus strand). Cytogenetic location: 5p15.33.
Variant type: single nucleotide variant.
Coding change: c.1848G>A on transcript NM_004168.4 (MANE Select); coding-DNA position 1848, G replaced by A.
Protein change: p.Lys616=; no amino-acid change (lysine 616 retained).
Molecular consequence: synonymous variant.
Genome position (GRCh38, 1-based): chr5:254,446, G>A. VCF-style: chr5-254446-G-A. GRCh37 (hg19) VCF-style: chr5-254561-G-A.
Other names: c.1704G>A, p.Lys568= (NM_001294332.2); c.1605G>A, p.Lys535= (NM_001330758.2); c.1848G>A (NM_004168.3).
Identifiers: ClinVar variation 2485697 (VCV002485697.4), dbSNP rs1189442479, ClinGen allele CA359001937.

ClinVar aggregate classification (germline): Likely benign. Review status: criteria provided, single submitter (1 of 4 stars). 2 submissions from 2 submitters: Likely benign (1). 1 of the submissions does not count toward it. Last evaluated 2023-02-10.

Conditions:
SDHA-related disorder. Also called: SDHA-related condition; SDHA-related disorders.
Hereditary cancer-predisposing syndrome. Also called: Neoplastic Syndromes, Hereditary; Hereditary neoplastic syndrome; Tumor predisposition; Hereditary Cancer Syndrome. Identifiers: Orphanet 140162, MedGen C0027672, MeSH D009386, MONDO:0015356.

Allele frequency attached by ClinVar (database versions not stated): TOPMed below 0.00001; gnomAD 0.00001; gnomAD exomes 0.00001.
gnomAD v4.1: 8 of 1,599,280 alleles (0.0005%); highest among the groups gnomAD compares: Non-Finnish European, 0.00068%; no homozygotes.

Submissions (2):

Ambry Genetics
Classification: Likely benign for Hereditary cancer-predisposing syndrome. Last evaluated: 2023-02-10. Review status: criteria provided, single submitter. Criteria: Ambry Variant Classification Scheme 2023. Collection method: clinical testing. Allele origin: germline.

PreventionGenetics, part of Exact Sciences
Classification: Likely benign for SDHA-related condition. Last evaluated: 2022-04-17. Review status: no assertion criteria provided. Collection method: clinical testing. Allele origin: germline. Not counted in ClinVar's aggregate classification.
Comment: This variant is classified as likely benign based on ACMG/AMP sequence variant interpretation guidelines (Richards et al. 2015 PMID: 25741868, with internal and published modifications).